The following is an entry in ClinVar:

NM_020843.4(SCAPER):c.3293G>A (p.Arg1098Gln)

Genes: SCAPER (S-phase cyclin A associated protein in the ER; minus strand), LOC126862183 (BRD4-independent group 4 enhancer GRCh37_chr15:76726060-76727259; plus strand). Cytogenetic location: 15q24.3.
Variant type: single nucleotide variant.
Coding change: c.3293G>A on transcript NM_020843.4 (MANE Select); coding-DNA position 3293, G replaced by A.
Protein change: p.Arg1098Gln; replaces arginine 1098 with glutamine.
Molecular consequence: missense variant. On other transcripts: non-coding transcript variant (1).
Genome position (GRCh38, 1-based): chr15:76,434,096, C>T on the plus strand (G>A on the coding strand, the complement: SCAPER is on the minus strand). VCF-style: chr15-76434096-C-T. GRCh37 (hg19) VCF-style: chr15-76726437-C-T.
Other names: c.2555G>A, p.Arg852Gln (NM_001145923.2); c.3311G>A, p.Arg1104Gln (NM_001353009.2); c.2891G>A, p.Arg964Gln (NM_001353010.2, NM_001353012.2); c.2909G>A, p.Arg970Gln (NM_001353011.2); c.3311G>A (NM_001353009.1); short protein forms R1098Q, R1104Q, R852Q, R964Q, R970Q.
Identifiers: ClinVar variation 2502904 (VCV002502904.4), dbSNP rs771454836, ClinGen allele CA7674487.
Genomic context (GRCh38, chr15:76,434,096, plus strand): 5'-TCTTAACAAAGAACAAAGTTTTAAGAACTCTAGCAATTTTACCTGATAAGGTCCTGAACT[C>T]GATTGTTAAAAGGATCACCTTGTGAGGGTTTGTTTTTCATTTCCTGTGTTGGTATTTTTG-3'
Protein context (NP_065894.2, residues 1088-1108): KPSQGDPFNN[Arg1098Gln]VQDLISYVVN

ClinVar aggregate classification (germline): Uncertain significance. Review status: criteria provided, multiple submitters, no conflicts (2 of 4 stars). 4 submissions from 4 submitters: Uncertain significance (2). 2 of the submissions do not count toward it. Last evaluated 2024-11-23.

Conditions:
SCAPER-related disorder. Also called: SCAPER-related condition.
Retinal dystrophy. Also called: Inherited retinal dystrophy. Identifiers: Orphanet 71862, MedGen C0854723, MeSH D058499, MONDO:0019118, HP:0000556.
Bardet-Biedl syndrome 1 (BBS1). Identifiers: MedGen C2936862, MONDO:0008854, OMIM 209900. Disease mechanism: loss of function.

Allele frequency attached by ClinVar (database versions not stated): gnomAD 0.00001; gnomAD exomes 0.00001; ExAC 0.00002.
gnomAD v4.1: 20 of 1,613,536 alleles (0.0012%); highest among the groups gnomAD compares: East Asian, 0.013%; no homozygotes.

Submissions (4):

PreventionGenetics, part of Exact Sciences
Classification: Uncertain significance for SCAPER-related condition. Last evaluated: 2024-11-23. Review status: criteria provided, single submitter. Criteria: ACMG Guidelines, 2015. Collection method: clinical testing. Allele origin: germline.
Comment: The SCAPER c.3311G>A variant is predicted to result in the amino acid substitution p.Arg1104Gln. This variant, as NM_020843:c.3293G>A (p.Arg1098Gln) by a different transcript, has been reported in an individual with BBS (Table 2. Khan et al. 2023. PubMed ID: 37293956). This variant is reported in 0.017% of alleles in individuals of East Asian descent in gnomAD. At this time, the clinical significance of this variant is uncertain due to the absence of conclusive functional and genetic evidence.

Blueprint Genetics
Classification: Uncertain significance. Last evaluated: 2024-05-23. Review status: criteria provided, single submitter. Criteria: ACMG Guidelines, 2015. Collection method: clinical testing. Allele origin: germline.

Advanced Center For Translational And Genetic Medicine, Ann & Robert H. Lurie Children's Hospital Of Chicago
Classification: Uncertain significance for Bardet-Biedl syndrome 1. Last evaluated: 2023-05-10. Review status: no assertion criteria provided. Collection method: research. Allele origin: unknown. Affected: yes. Observed: 1 heterozygote. Not counted in ClinVar's aggregate classification.

Institute of Human Genetics, Univ. Regensburg, Univ. Regensburg
Classification: Uncertain significance for Retinal dystrophy. Last evaluated: 2023-01-01. Review status: no assertion criteria provided. Criteria: ACMG Guidelines, 2015. Collection method: clinical testing. Allele origin: germline. Affected: yes. Not counted in ClinVar's aggregate classification.